The following is an entry in ClinVar:

NM_000257.4(MYH7):c.2594A>T (p.Lys865Met)

Genes: MYH7 (myosin heavy chain 7; minus strand), LOC126861898 (BRD4-independent group 4 enhancer GRCh37_chr14:23893609-23894808; plus strand). Cytogenetic location: 14q11.2.
Variant type: single nucleotide variant.
Coding change: c.2594A>T on transcript NM_000257.4 (MANE Select); coding-DNA position 2594, A replaced by T.
Protein change: p.Lys865Met; replaces lysine 865 with methionine.
Molecular consequence: missense variant.
Genome position (GRCh38, 1-based): chr14:23,424,854, T>A on the plus strand (A>T on the coding strand, the complement: MYH7 is on the minus strand). VCF-style: chr14-23424854-T-A. GRCh37 (hg19) VCF-style: chr14-23894063-T-A.
Other names: short protein forms K865M.
Identifiers: ClinVar variation 454358 (VCV000454358.15), dbSNP rs758891557, ClinGen allele CA257819398.

ClinVar aggregate classification (germline): Conflicting classifications of pathogenicity. Review status: criteria provided, conflicting classifications (1 of 4 stars). 5 submissions from 5 submitters: Pathogenic (1); Likely pathogenic (2); Uncertain significance (2). Last evaluated 2025-09-24.

Conditions:
MYH7-related disorder. Also called: MYH7-related condition; MYH7-related disease; MYH7-related disorders.
Cardiovascular phenotype. Identifiers: MedGen CN230736.
Cardiomyopathy (CMYO). Also called: Cardiomyopathies. Identifiers: Orphanet 167848, MedGen C0878544, MONDO:0004994, HP:0001638. Inheritance: Various modes of inheritance.
Hypertrophic cardiomyopathy. Also called: HYPERTROPHIC MYOCARDIOPATHY. Identifiers: Orphanet 217569, MedGen C0007194, MeSH D002312, MONDO:0005045, HP:0001639.

gnomAD v4.1: 7 of 1,614,242 alleles (0.00043%); highest among the groups gnomAD compares: Non-Finnish European, 0.00059%; no homozygotes.

Submissions (5):

Ambry Genetics
Classification: Likely pathogenic for Cardiovascular phenotype. Last evaluated: 2025-09-24. Review status: criteria provided, single submitter. Criteria: Ambry Variant Classification Scheme 2023. Collection method: clinical testing. Allele origin: germline.
Comment: The p.K865M variant (also known as c.2594A>T), located in coding exon 20 of the MYH7 gene, results from an A to T substitution at nucleotide position 2594. The lysine at codon 865 is replaced by methionine, an amino acid with similar properties. This alteration is located in the myosin head domain, which contains a statistically significant clustering of pathogenic missense variants (Homburger JR et al. Proc Natl Acad Sci U S A, 2016 06;113:6701-6; Walsh R et al. Genet Med, 2017 02;19:192-203; Ambry internal data). This variant was reported in individual(s) with features consistent with hypertrophic cardiomyopathy (HCM) (Bos JM et al. Mayo Clin. Proc., 2014 Jun;89:727-37; external communication). Another variant at the same codon, p.K865E (c.2593A>G), has been identified in individual(s) with features consistent with HCM (Harper AR et al. Nat Genet, 2021 Feb;53:135-142) This amino acid position is highly conserved in available vertebrate species. In addition, the in silico prediction for this alteration is inconclusive. This variant is considered to be rare based on population cohorts in the Genome Aggregation Database (gnomAD). Based on the majority of available evidence to date, this variant is likely to be pathogenic.

Labcorp Genetics (formerly Invitae), Labcorp
Classification: Pathogenic for Hypertrophic cardiomyopathy. Last evaluated: 2025-09-14. Review status: criteria provided, single submitter. Criteria: Invitae Variant Classification Sherloc (09022015). Collection method: clinical testing. Allele origin: germline.
Comment: This sequence change replaces lysine, which is basic and polar, with methionine, which is neutral and non-polar, at codon 865 of the MYH7 protein (p.Lys865Met). This variant is not present in population databases (gnomAD no frequency). This missense change has been observed in individuals with hypertrophic cardiomyopathy (PMID: 32894683; internal data). ClinVar contains an entry for this variant (Variation ID: 454358). Invitae Evidence Modeling of protein sequence and biophysical properties (such as structural, functional, and spatial information, amino acid conservation, physicochemical variation, residue mobility, and thermodynamic stability) indicates that this missense variant is expected to disrupt MYH7 protein function with a positive predictive value of 95%. This variant disrupts the p.Lys865 amino acid residue in MYH7. Other variant(s) that disrupt this residue have been determined to be pathogenic (PMID: 21835320, 27247418; internal data). This suggests that this residue is clinically significant, and that variants that disrupt this residue are likely to be disease-causing. For these reasons, this variant has been classified as Pathogenic.

All of Us Research Program, National Institutes of Health
Classification: Uncertain significance for Cardiomyopathy. Last evaluated: 2024-06-11. Review status: criteria provided, single submitter. Criteria: ACMG Guidelines, 2015. Collection method: clinical testing. Allele origin: germline. Inheritance: Autosomal dominant inheritance. Observed: 1 variant allele, 1 heterozygote.
Comment: This study involves interpretation of variants in research participants for the purpose of population health screening. Participant phenotype was not available at the time of variant classification. Additional details can be found in publication PMID: 35346344, PMCID: PMC8962531

Blueprint Genetics
Classification: Likely pathogenic for MYH7-related disorders. Last evaluated: 2022-11-25. Review status: criteria provided, single submitter. Criteria: ACMG Guidelines, 2015. Collection method: clinical testing. Allele origin: germline. Affected: yes. Observed: 1 variant allele.

Color Diagnostics, LLC DBA Color Health
Classification: Uncertain significance for Cardiomyopathy. Last evaluated: 2022-02-14. Review status: criteria provided, single submitter. Criteria: ACMG Guidelines, 2015. Collection method: clinical testing. Allele origin: germline.
Comment: This missense variant replaces lysine with methionine at codon 865 of the MYH7 protein. This variant is found within a highly conserved region of the myosin head domain. Missense variants in this region have been shown to be significantly overrepresented in individuals with hypertrophic cardiomyopathy (PMID: 27532257). Computational prediction suggests that this variant may have deleterious impact on protein structure and function (internally defined REVEL score threshold >= 0.7, PMID: 27666373). To our knowledge, functional studies have not been reported for this variant. This variant has been reported in two individuals affected with hypertrophic cardiomyopathy (PMID: 24793961, ClinVar: SCV000623675.4). This variant has not been identified in the general population by the Genome Aggregation Database (gnomAD). A different missense variant occurring at the same codon, p.Lys865Glu, is known to be pathogenic (Clinvar variation ID: 181195), indicating that lysine at this position is important for MYH7 protein function. Although there is a suspicion that this variant may be associated with disease, additional clinical data are necessary to determine the role of this variant in disease conclusively. Therefore, this variant is classified as a Variant of Uncertain Significance.

Literature cited by the submitters: PubMed 24793961 (cited by Ambry Genetics and Color Diagnostics, LLC DBA Color Health); PubMed 32894683 (cited by Labcorp Genetics (formerly Invitae), Labcorp); PubMed 21835320 (cited by Labcorp Genetics (formerly Invitae), Labcorp); PubMed 27247418 (cited by Labcorp Genetics (formerly Invitae), Labcorp); PubMed 27532257 (cited by Color Diagnostics, LLC DBA Color Health).